The following is an entry in ClinVar:

NM_015311.3(OBSL1):c.2576G>A (p.Gly859Glu)

Gene: OBSL1 (obscurin like cytoskeletal adaptor 1; minus strand). Cytogenetic location: 2q35.
Variant type: single nucleotide variant.
Coding change: c.2576G>A on transcript NM_015311.3 (MANE Select); coding-DNA position 2576, G replaced by A.
Protein change: p.Gly859Glu; replaces glycine 859 with glutamic acid.
Molecular consequence: missense variant.
Genome position (GRCh38, 1-based): chr2:219,563,459, C>T on the plus strand (G>A on the coding strand, the complement: OBSL1 is on the minus strand). VCF-style: chr2-219563459-C-T. GRCh37 (hg19) VCF-style: chr2-220428181-C-T.
Other names: c.2576G>A (NM_015311.2); c.2576G>A, p.Gly859Glu (NM_001173408.2, NM_001173431.2); short protein forms G859E.
Identifiers: ClinVar variation 1359436 (VCV001359436.6), dbSNP rs370980487, ClinGen allele CA2131179.

ClinVar aggregate classification (germline): Uncertain significance. Review status: criteria provided, multiple submitters, no conflicts (2 of 4 stars). 3 submissions from 3 submitters: Uncertain significance (3). Last evaluated 2025-08-20.

Conditions:
Inborn genetic diseases. Identifiers: MedGen C0950123, MeSH D030342.

Allele frequency attached by ClinVar (database versions not stated): TOPMed 0.00001; gnomAD 0.00002; gnomAD exomes 0.00005; ExAC 0.00007; ESP Exome Variant Server 0.00008.
gnomAD v4.1: 185 of 1,613,780 alleles (0.011%); highest among the groups gnomAD compares: Non-Finnish European, 0.014%; no homozygotes.

Submissions (3):

Ambry Genetics
Classification: Uncertain significance for Inborn genetic diseases. Last evaluated: 2025-08-20. Review status: criteria provided, single submitter. Criteria: Ambry Variant Classification Scheme 2023. Collection method: clinical testing. Allele origin: germline.

Blueprint Genetics
Classification: Uncertain significance. Last evaluated: 2024-06-05. Review status: criteria provided, single submitter. Criteria: ACMG Guidelines, 2015. Collection method: clinical testing. Allele origin: germline.

Labcorp Genetics (formerly Invitae), Labcorp
Classification: Uncertain significance. Last evaluated: 2021-11-16. Review status: criteria provided, single submitter. Criteria: Invitae Variant Classification Sherloc (09022015). Collection method: clinical testing. Allele origin: germline.
Comment: This variant is present in population databases (rs370980487, gnomAD 0.01%). In summary, the available evidence is currently insufficient to determine the role of this variant in disease. Therefore, it has been classified as a Variant of Uncertain Significance. Algorithms developed to predict the effect of missense changes on protein structure and function are either unavailable or do not agree on the potential impact of this missense change (SIFT: "Deleterious"; PolyPhen-2: "Probably Damaging"; Align-GVGD: "Class C0"). This variant has not been reported in the literature in individuals affected with OBSL1-related conditions. This sequence change replaces glycine, which is neutral and non-polar, with glutamic acid, which is acidic and polar, at codon 859 of the OBSL1 protein (p.Gly859Glu).